The following is an entry in ClinVar:

ClinVar aggregate classification (germline): Conflicting classifications of pathogenicity. Review status: criteria provided, conflicting classifications (1 of 4 stars). 2 submissions from 2 submitters: Likely pathogenic (1); Uncertain significance (1). Last evaluated 2023-12-18.

Conditions:
SEMA4A-related disorder. Also called: SEMA4A-related condition.

Submissions (2):

Blueprint Genetics
Classification: Likely pathogenic for SEMA4A-related disorders. Last evaluated: 2023-12-18. Review status: criteria provided, single submitter. Criteria: ACMG Guidelines, 2015. Collection method: clinical testing. Allele origin: germline. Affected: yes. Observed: 3 variant alleles.

Labcorp Genetics (formerly Invitae), Labcorp
Classification: Uncertain significance. Last evaluated: 2022-03-20. Review status: criteria provided, single submitter. Criteria: Invitae Variant Classification Sherloc (09022015). Collection method: clinical testing. Allele origin: germline.
Comment: In summary, the available evidence is currently insufficient to determine the role of this variant in disease. Therefore, it has been classified as a Variant of Uncertain Significance. Experimental studies and prediction algorithms are not available or were not evaluated, and the functional significance of this variant is currently unknown. This variant has not been reported in the literature in individuals affected with SEMA4A-related conditions. This variant is not present in population databases (gnomAD no frequency). This sequence change affects the initiator methionine of the SEMA4A mRNA. The next in-frame methionine is located at codon 39.

NM_022367.4(SEMA4A):c.2T>A (p.Met1Lys)

Gene: SEMA4A (semaphorin 4A; plus strand). Cytogenetic location: 1q22.
Variant type: single nucleotide variant.
Coding change: c.2T>A on transcript NM_022367.4 (MANE Select); coding-DNA position 2, T replaced by A.
Protein change: p.Met1Lys; changes the start codon (methionine 1).
Molecular consequence: missense variant, initiator codon variant. On other transcripts: 5 prime UTR variant (1), intron variant (3).
Genome position (GRCh38, 1-based): chr1:156,154,580, T>A. VCF-style: chr1-156154580-T-A. GRCh37 (hg19) VCF-style: chr1-156124371-T-A.
Other names: c.2T>A, p.Met1Lys (NM_001193300.2, NM_001193301.2, NM_001370567.1); c.-523T>A (NM_001370571.1); c.-385-1834T>A (NM_001370569.1); c.-158-1834T>A (NM_001370568.1); c.-159+816T>A (NM_001193302.2); short protein forms M1K.
Identifiers: ClinVar variation 2115352 (VCV002115352.6), dbSNP rs1652826874, ClinGen allele CA342833636.
Genomic context (GRCh38, chr1:156,154,580, plus strand): 5'-CAGAAAGTGCCCGGGTGCCTGTTTCCCCAGAGCTCCCTGGTGACAGTCTGTGGCTGAGCA[T>A]GGCCCTCCCAGCCCTGGGCCTGGACCCCTGGAGCCTCCTGGGCCTTTTCCTCTTCCAACT-3'
Protein context (NP_071762.2, residues 1-11): [Met1Lys]ALPALGLDPW